The following is an entry in ClinVar:

NM_002887.4(RARS1):c.1801A>T (p.Ile601Leu)

Gene: RARS1 (arginyl-tRNA synthetase 1; plus strand). Cytogenetic location: 5q34.
Variant type: single nucleotide variant.
Coding change: c.1801A>T on transcript NM_002887.4 (MANE Select); coding-DNA position 1801, A replaced by T.
Protein change: p.Ile601Leu; replaces isoleucine 601 with leucine.
Molecular consequence: missense variant.
Genome position (GRCh38, 1-based): chr5:168,517,990, A>T. VCF-style: chr5-168517990-A-T. GRCh37 (hg19) VCF-style: chr5-167944995-A-T.
Other names: p.Ile601Leu; short protein forms I601L.
Identifiers: ClinVar variation 3379618 (VCV003379618.1).
Genomic context (GRCh38, chr5:168,517,990, plus strand): 5'-TTCCCTGAGATTCTGCAAAAGATTTTAGATGACTTATTTCTCCACACTCTCTGTGATTAT[A>T]TATATGAGCTGGCAACTGCTTTCACAGAGTTCTATGATAGCTGCTACTGTGTGGAGAAAG-3'
Protein context (NP_002878.2, residues 591-611): DLFLHTLCDY[Ile601Leu]YELATAFTEF

ClinVar aggregate classification (germline): Uncertain significance (1 of 4 stars; one submission).

gnomAD v4.1: 15 of 1,600,412 alleles (0.00094%); highest among the groups gnomAD compares: Non-Finnish European, 0.0013%; no homozygotes.

Submission:

Mayo Clinic Laboratories, Mayo Clinic
Classification: Uncertain significance. Last evaluated: 2023-07-17. Review status: criteria provided, single submitter. Criteria: ACMG Guidelines, 2015. Collection method: clinical testing. Allele origin: germline. Observed: 1 variant allele.
Comment: BP4, PM2_moderate